The following is an entry in ClinVar:

NM_004453.4(ETFDH):c.1506del (p.Asp501_Cys502insTer)

Gene: ETFDH (electron transfer flavoprotein dehydrogenase; plus strand). Cytogenetic location: 4q32.1.
Variant type: Deletion.
Coding change: c.1506del on transcript NM_004453.4 (MANE Select); coding-DNA position 1506, one base deleted (C; older notation c.1506delC).
Protein change: p.Asp501_Cys502insTer.
Molecular consequence: nonsense.
Genome position (GRCh38, 1-based): chr4:158,706,666, C deleted. VCF-style (leftmost placement, unchanged base first): chr4-158706665-GC-G. GRCh37 (hg19) VCF-style: chr4-159627817-GC-G.
Other names: c.1365del, p.Asp454_Cys455insTer (NM_001281737.2); c.1323del, p.Asp440_Cys441insTer (NM_001281738.1).
Identifiers: ClinVar variation 4815347 (VCV004815347.1).

ClinVar aggregate classification (germline): Likely pathogenic (1 of 4 stars; one submission).

Conditions:
Glutaric acidemia type 2C.

Submission:

Natera, Inc.
Classification: Likely pathogenic for Glutaric acidemia type 2C. Last evaluated: 2025-09-05. Review status: criteria provided, single submitter. Criteria: Natera Variant Classification Schema (03/2026). Collection method: clinical testing. Allele origin: germline.
Comment: The c.1506delC variant in ETFDH is a frameshift variant predicted to shift the reading frame and introduce a stop codon. This variant is expected to result in nonsense mediated decay, truncation, or a dysfunctional protein product. This variant is rare in the general population with a frequency below the threshold expected for the associated phenotype(s). Given the available evidence, this variant is classified as Likely Pathogenic.